The following is an entry in ClinVar:

ClinVar aggregate classification (germline): Uncertain significance. Review status: criteria provided, multiple submitters, no conflicts (2 of 4 stars). 3 submissions from 3 submitters: Uncertain significance (3). Last evaluated 2026-02-24.

Conditions:
Cardiovascular phenotype. Identifiers: MedGen CN230736.
Arrhythmogenic right ventricular dysplasia 5. Also called: Arrhythmogenic Right Ventricular Dysplasia/Cardiomyopathy 5; ARRHYTHMOGENIC RIGHT VENTRICULAR DYSPLASIA, FAMILIAL, 5. Identifiers: MedGen C1858379, MONDO:0011459, OMIM 604400.

Allele frequency attached by ClinVar (database versions not stated): gnomAD exomes below 0.00001; TOPMed below 0.00001.
gnomAD v4.1: 3 of 1,613,788 alleles (0.00019%); highest among the groups gnomAD compares: South Asian, 0.0011%; no homozygotes.

Submissions (3):

Ambry Genetics
Classification: Uncertain significance for Cardiovascular phenotype. Last evaluated: 2026-02-24. Review status: criteria provided, single submitter. Criteria: Ambry Variant Classification Scheme 2023. Collection method: clinical testing. Allele origin: germline.
Comment: The p.M36K variant (also known as c.107T>A), located in coding exon 2 of the TMEM43 gene, results from a T to A substitution at nucleotide position 107. The methionine at codon 36 is replaced by lysine, an amino acid with similar properties. This amino acid position is conserved. In addition, the in silico prediction for this alteration is inconclusive. Based on the available evidence, the clinical significance of this variant remains unclear.

Labcorp Genetics (formerly Invitae), Labcorp
Classification: Uncertain significance for Arrhythmogenic right ventricular dysplasia 5. Last evaluated: 2025-03-26. Review status: criteria provided, single submitter. Criteria: Invitae Variant Classification Sherloc (09022015). Collection method: clinical testing. Allele origin: germline.
Comment: This sequence change replaces methionine, which is neutral and non-polar, with lysine, which is basic and polar, at codon 36 of the TMEM43 protein (p.Met36Lys). This variant is not present in population databases (gnomAD no frequency). This variant has not been reported in the literature in individuals affected with TMEM43-related conditions. ClinVar contains an entry for this variant (Variation ID: 1009261). Invitae Evidence Modeling of protein sequence and biophysical properties (such as structural, functional, and spatial information, amino acid conservation, physicochemical variation, residue mobility, and thermodynamic stability) indicates that this missense variant is not expected to disrupt TMEM43 protein function with a negative predictive value of 80%. In summary, the available evidence is currently insufficient to determine the role of this variant in disease. Therefore, it has been classified as a Variant of Uncertain Significance.

All of Us Research Program, National Institutes of Health
Classification: Uncertain significance for Arrhythmogenic right ventricular dysplasia 5. Last evaluated: 2023-11-20. Review status: criteria provided, single submitter. Criteria: ACMG Guidelines, 2015. Collection method: clinical testing. Allele origin: germline. Inheritance: Autosomal dominant inheritance. Observed: 1 variant allele, 1 heterozygote.
Comment: This missense variant replaces methionine with lysine at codon 36 of the TMEM43 protein. Computational prediction suggests that this variant may not impact protein structure and function (internally defined REVEL score threshold <= 0.5, PMID: 27666373). To our knowledge, functional studies have not been reported for this variant. This variant has not been reported in individuals affected with TMEM43-related disorders in the literature. This variant has not been identified in the general population by the Genome Aggregation Database (gnomAD). The available evidence is insufficient to determine the role of this variant in disease conclusively. Therefore, this variant is classified as a Variant of Uncertain Significance.

This study involves interpretation of variants in research participants for the purpose of population health screening. Participant phenotype was not available at the time of variant classification. Additional details can be found in publication PMID: 35346344, PMCID: PMC8962531

NM_024334.3(TMEM43):c.107T>A (p.Met36Lys)

Gene: TMEM43 (transmembrane protein 43; plus strand). Cytogenetic location: 3p25.1.
Variant type: single nucleotide variant.
Coding change: c.107T>A on transcript NM_024334.3 (MANE Select); coding-DNA position 107, T replaced by A.
Protein change: p.Met36Lys; replaces methionine 36 with lysine.
Molecular consequence: missense variant.
Genome position (GRCh38, 1-based): chr3:14,129,506, T>A. VCF-style: chr3-14129506-T-A. GRCh37 (hg19) VCF-style: chr3-14171006-T-A.
Other names: c.107T>A (NM_024334.2); short protein forms M36K.
Identifiers: ClinVar variation 1009261 (VCV001009261.10), dbSNP rs1695064880, ClinGen allele CA351534346.